The following is an entry in ClinVar:

NM_002047.4(GARS1):c.2190G>A (p.Glu730=)

Gene: GARS1 (glycyl-tRNA synthetase 1; plus strand). Cytogenetic location: 7p14.3.
Variant type: single nucleotide variant.
Coding change: c.2190G>A on transcript NM_002047.4 (MANE Select); coding-DNA position 2190, G replaced by A.
Protein change: p.Glu730=; no amino-acid change (glutamic acid 730 retained).
Molecular consequence: synonymous variant.
Genome position (GRCh38, 1-based): chr7:30,633,830, G>A. VCF-style: chr7-30633830-G-A. GRCh37 (hg19) VCF-style: chr7-30673446-G-A.
Other names: p.Glu730=; c.2190G>A (LRG_243t1, NM_002047.3); c.2028G>A, p.Glu676= (NM_001316772.1).
Identifiers: ClinVar variation 377913 (VCV000377913.35), dbSNP rs190132116, ClinGen allele CA4206179.

ClinVar aggregate classification (germline): Benign/Likely benign. Review status: criteria provided, multiple submitters, no conflicts (2 of 4 stars). 9 submissions from 9 submitters: Benign (4); Likely benign (4). 1 of the submissions does not count toward it. Last evaluated 2026-09-01.

Conditions:
Charcot-Marie-Tooth disease type 2. Also called: Charcot-Marie-Tooth type 2. Identifiers: Orphanet 64746, MedGen C0270914, MONDO:0018993.
GARS1-related disorder. Also called: GARS1-related condition.

Allele frequency attached by ClinVar (database versions not stated): gnomAD exomes 0.00041 and 0.00102; ExAC 0.00137; gnomAD 0.00416 and 0.00437; 1000 Genomes Project 0.00419; 1000 Genomes Project 30x 0.00422; ESP Exome Variant Server 0.00424; TOPMed 0.00443.
gnomAD v4.1: 1,232 of 1,595,330 alleles (0.077%); highest among the groups gnomAD compares: African/African-American, 1.4%; 8 homozygotes.

Submissions (9):

CeGaT Center for Human Genetics Tuebingen
Classification: Likely benign. Last evaluated: 2026-09-01. Review status: criteria provided, single submitter. Criteria: CeGaT Center For Human Genetics Tuebingen Variant Classification Criteria Version 2. Collection method: clinical testing. Allele origin: germline. Affected: yes. Observed: 4 variant alleles.
Comment: GARS1: BP4, BP7, BS1

Labcorp Genetics (formerly Invitae), Labcorp
Classification: Benign for Charcot-Marie-Tooth disease type 2. Last evaluated: 2026-01-19. Review status: criteria provided, single submitter. Criteria: Invitae Variant Classification Sherloc (09022015). Collection method: clinical testing. Allele origin: germline.

Mayo Clinic Laboratories, Mayo Clinic
Classification: Likely benign. Last evaluated: 2025-04-09. Review status: criteria provided, single submitter. Criteria: ACMG Guidelines, 2015. Collection method: clinical testing. Allele origin: germline. Observed: 9 variant alleles.
Comment: BS1, BP4, BP7

Blueprint Genetics
Classification: Likely benign. Last evaluated: 2024-11-13. Review status: criteria provided, single submitter. Criteria: ACMG Guidelines, 2015. Collection method: clinical testing. Allele origin: germline.

ARUP Laboratories, Molecular Genetics and Genomics, ARUP Laboratories
Classification: Benign. Last evaluated: 2022-03-31. Review status: criteria provided, single submitter. Criteria: ARUP Molecular Germline Variant Investigation Process 2021. Collection method: clinical testing. Allele origin: germline.

Ambry Genetics
Classification: Likely benign. Last evaluated: 2019-07-11. Review status: criteria provided, single submitter. Criteria: Ambry Variant Classification Scheme 2023. Collection method: clinical testing. Allele origin: germline.

Athena Diagnostics
Classification: Benign. Last evaluated: 2017-12-12. Review status: criteria provided, single submitter. Criteria: Athena Diagnostics Criteria. Collection method: clinical testing. Allele origin: germline.

GeneDx
Classification: Benign. Last evaluated: 2016-04-26. Review status: criteria provided, single submitter. Criteria: GeneDx Variant Classification (06012015). Collection method: clinical testing. Allele origin: germline. Affected: yes.
Comment: This variant is considered likely benign or benign based on one or more of the following criteria: it is a conservative change, it occurs at a poorly conserved position in the protein, it is predicted to be benign by multiple in silico algorithms, and/or has population frequency not consistent with disease.

PreventionGenetics, part of Exact Sciences
Classification: Benign for GARS1-related condition. Last evaluated: 2019-07-08. Review status: no assertion criteria provided. Collection method: clinical testing. Allele origin: germline. Not counted in ClinVar's aggregate classification.
Comment: This variant is classified as benign based on ACMG/AMP sequence variant interpretation guidelines (Richards et al. 2015 PMID: 25741868, with internal and published modifications).